The following is an entry in ClinVar:

NM_025179.4(PLXNA2):c.1608-3C>T

Gene: PLXNA2 (plexin A2; minus strand). Cytogenetic location: 1q32.2.
Variant type: single nucleotide variant.
Coding change: c.1608-3C>T on transcript NM_025179.4 (MANE Select); 3 bases into the intron before coding-DNA position 1608, C replaced by T.
Molecular consequence: intron variant.
Genome position (GRCh38, 1-based): chr1:208,098,972, G>A on the plus strand (C>T on the coding strand, the complement: PLXNA2 is on the minus strand). VCF-style: chr1-208098972-G-A. GRCh37 (hg19) VCF-style: chr1-208272317-G-A.
Identifiers: ClinVar variation 4982254 (VCV004982254.1).

ClinVar aggregate classification (germline): Likely benign (1 of 4 stars; one submission).

Conditions:
PLXNA2-related disorder. Also called: PLXNA2-related condition.

gnomAD v4.1: 4 of 1,612,492 alleles (0.00025%); highest among the groups gnomAD compares: African/African-American, 0.004%; no homozygotes.

Submission:

PreventionGenetics, part of Exact Sciences
Classification: Likely benign for PLXNA2-related condition. Last evaluated: 2026-05-20. Review status: criteria provided, single submitter. Criteria: ACMG Guidelines, 2015. Collection method: clinical testing. Allele origin: germline.
Comment: This variant is classified as likely benign based on ACMG/AMP sequence variant interpretation guidelines (Richards et al. 2015 PMID: 25741868, with internal and published modifications).